The following is an entry in ClinVar:

ClinVar aggregate classification (germline): Likely benign. Review status: criteria provided, multiple submitters, no conflicts (2 of 4 stars). 2 submissions from 2 submitters: Likely benign (2). Last evaluated 2023-04-03.

Conditions:
Wilson disease (WND). Also called: Wilson's disease. Identifiers: Orphanet 905, MedGen C0019202, MONDO:0010200, OMIM 277900. Disease mechanism: loss of function.

Submissions (2):

All of Us Research Program, National Institutes of Health
Classification: Likely benign for Wilson disease. Last evaluated: 2023-04-03. Review status: criteria provided, single submitter. Criteria: ACMG Guidelines, 2015. Collection method: clinical testing. Allele origin: germline. Inheritance: Autosomal recessive inheritance. Observed: 1 variant allele, 1 heterozygote.
Comment: This study involves interpretation of variants in research participants for the purpose of population health screening. Participant phenotype was not available at the time of variant classification. Additional details can be found in publication PMID: 35346344, PMCID: PMC8962531

Labcorp Genetics (formerly Invitae), Labcorp
Classification: Likely benign for Wilson disease. Last evaluated: 2020-07-12. Review status: criteria provided, single submitter. Criteria: Invitae Variant Classification Sherloc (09022015). Collection method: clinical testing. Allele origin: germline.

NM_000053.4(ATP7B):c.2538G>A (p.Leu846=)

Gene: ATP7B (ATPase copper transporting beta; minus strand). Cytogenetic location: 13q14.3.
Variant type: single nucleotide variant.
Coding change: c.2538G>A on transcript NM_000053.4 (MANE Select); coding-DNA position 2538, G replaced by A.
Protein change: p.Leu846=; no amino-acid change (leucine 846 retained).
Molecular consequence: synonymous variant.
Genome position (GRCh38, 1-based): chr13:51,950,309, C>T on the plus strand (G>A on the coding strand, the complement: ATP7B is on the minus strand). VCF-style: chr13-51950309-C-T. GRCh37 (hg19) VCF-style: chr13-52524445-C-T.
Other names: c.2052G>A, p.Leu684= (NM_001005918.3); c.2205G>A, p.Leu735= (NM_001243182.2); c.2304G>A, p.Leu768= (NM_001330578.2); c.2286G>A, p.Leu762= (NM_001330579.2).
Identifiers: ClinVar variation 1109436 (VCV001109436.10), dbSNP rs2139224830, ClinGen allele CA483895747.